The following is an entry in ClinVar:

ClinVar aggregate classification (germline): Pathogenic (1 of 4 stars; one submission).

Submission:

Labcorp Genetics (formerly Invitae), Labcorp
Classification: Pathogenic. Last evaluated: 2025-02-12. Review status: criteria provided, single submitter. Criteria: Invitae Variant Classification Sherloc (09022015). Collection method: clinical testing. Allele origin: germline.
Comment: This sequence change creates a premature translational stop signal (p.Asn184Valfs*22) in the C8B gene. It is expected to result in an absent or disrupted protein product. Loss-of-function variants in C8B are known to be pathogenic (PMID: 7594510). This variant is not present in population databases (gnomAD no frequency). This variant has not been reported in the literature in individuals affected with C8B-related conditions. ClinVar contains an entry for this variant (Variation ID: 1453762). For these reasons, this variant has been classified as Pathogenic.

Literature cited by the submitters: PubMed 7594510.

NM_000066.4(C8B):c.550_553del (p.Asn184fs)

Gene: C8B (complement C8 beta chain; minus strand). Cytogenetic location: 1p32.2.
Variant type: Deletion.
Coding change: c.550_553del on transcript NM_000066.4 (MANE Select); coding-DNA positions 550 to 553, 4 bases deleted (AACA; older notation c.550_553delAACA).
Protein change: p.Asn184fs; shifts the reading frame from asparagine 184.
Molecular consequence: frameshift variant.
Genome position (GRCh38, 1-based): chr1:56,952,161-56,952,164, TGTT deleted on the plus strand (AACA on the coding strand, the reverse complement: C8B is on the minus strand); deleting any 4 consecutive bases within chr1:56,952,161-56,952,167 gives the same sequence; the c. name uses the placement nearest the transcript's 3' end. VCF-style (leftmost placement, unchanged base first): chr1-56952160-CTGTT-C. GRCh37 (hg19) VCF-style: chr1-57417833-CTGTT-C.
Other names: c.394_397del, p.Asn132fs (NM_001278543.2); c.364_367del, p.Asn122fs (NM_001278544.2); short protein forms N184fs, N122fs, N132fs.
Identifiers: ClinVar variation 1453762 (VCV001453762.6), dbSNP rs1464732473, ClinGen allele CA645531379.